The following is an entry in ClinVar:

NC_000020.11:g.44355626T>C

Gene: HNF4A (hepatocyte nuclear factor 4 alpha; plus strand). Cytogenetic location: 20q13.12.
Variant type: single nucleotide variant.
Genome position: GRCh38 VCF-style: chr20-44355626-T-C. GRCh37 (hg19) VCF-style: chr20-42984266-T-C.
Identifiers: ClinVar variation 4526413 (VCV004526413.1).
Genomic context (GRCh38, chr20:44,355,626, plus strand): 5'-GGTCGCCATTGCCATGGAGACAGCAACAGTCCCCAGCCGCGGGTTCCCTAAGTGACTGGT[T>C]ACTCTTTAACGTATCCACCCACCTTGGGTGATTAGAAGAATCAATAAGATAACCGGGCGG-3'

ClinVar aggregate classification (germline): Uncertain significance (3 of 4 stars; one submission).

Conditions:
Monogenic diabetes. Identifiers: Orphanet 183625, MedGen C3888631, MONDO:0015967.

Submission:

ClinGen Monogenic Diabetes Variant Curation Expert Panel
Classification: Uncertain significance for Monogenic diabetes. Last evaluated: 2025-10-13. Review status: reviewed by expert panel. Criteria: ClinGen Diabetes ACMG Specifications HNF4A V4.0.0. Collection method: curation. Allele origin: germline. Inheritance: Autosomal dominant inheritance.
Comment: The c.-179T>C variant in the hepatocyte nuclear factor 4-alpha gene, HNF4A, is located within the promoter region of NM_175914.5. This variant is located within the HNF1A/HNF1B binding region (c.-170 to c.-173 and c.-178 to c.-181) of the P2 promoter of HNF4A, which is defined as critical for the protein’s function by the ClinGen MDEP (PM1). This variant is absent from gnomAD v2.1.1 and v4.1.0 (PM2_Supporting). This variant was identified in an individual with diabetes; however, the MODY probability is unable to be calculated due to lack of clinical information (PMID: 27552834; internal lab contributors). This variant segregated with diabetes with a single informative meiosis in one family; however, this does not meet the thresholds for PP1 set by the ClinGen MDEP (PMID: 27236918, internal lab contributors). In summary, c.-179T>C meets the criteria to be classified as a variant of uncertain significance for monogenic diabetes. ACMG/AMP criteria applied, as specified by the ClinGen MDEP VCEP (specification version 4.0.0, approved 10/10/2025): PM1, PM2_Supporting.